The following is an entry in ClinVar:

NM_000091.5:c.(888+1_889-1)_(1114+1_1115-1)del

Gene: COL4A3 (collagen type IV alpha 3 chain; plus strand).
Variant type: Deletion.
Other names: c.(888+1_889-1)_(1114+1_1115-1)del (NM_000091.5).
Identifiers: ClinVar variation 4852588 (VCV004852588.1).

ClinVar aggregate classification (germline): Likely pathogenic (1 of 4 stars; one submission).

Conditions:
Autosomal dominant Alport syndrome (ATS3A). Also called: Alport syndrome dominant type; Renal failure and sensorineural hearing loss; ALPORT SYNDROME 3A, AUTOSOMAL DOMINANT. Identifiers: Orphanet 63, Orphanet 88918, MedGen C5882663, MONDO:0007086, OMIM 104200.

Submission:

Genetics laboratory, Institute of Kidney Diseases & Research Centre Dr. H.L. Trivedi Institute Of Transplantation Sciences
Classification: Likely pathogenic for Autosomal dominant Alport syndrome. Last evaluated: 2025-11-19. Review status: criteria provided, single submitter. Criteria: ACMG Guidelines, 2015. Collection method: clinical testing. Allele origin: germline. Inheritance: Autosomal dominant inheritance. Affected: yes. Observed: 1 variant allele, 1 heterozygote.
Comment: The COL4A3 exon 16–19 deletion is classified as Likely Pathogenic based on ACMG criteria. The deletion is predicted to result in loss of function through disruption of the coding sequence, a known disease mechanism in COL4A3-related disorders.